The following is an entry in ClinVar:

NM_000218.3(KCNQ1):c.1514+30926C>T

Genes: KCNQ1 (potassium voltage-gated channel subfamily Q member 1; plus strand), KCNQ1OT1 (KCNQ1 opposite strand/antisense transcript 1; minus strand). Cytogenetic location: 11p15.5.
Variant type: single nucleotide variant.
Coding change: c.1514+30926C>T on transcript NM_000218.3 (MANE Select); 30926 bases into the intron after coding-DNA position 1514, C replaced by T.
Molecular consequence: intron variant. On other transcripts: non-coding transcript variant (1).
Genome position (GRCh38, 1-based): chr11:2,693,007, C>T. VCF-style: chr11-2693007-C-T. GRCh37 (hg19) VCF-style: chr11-2714237-C-T.
Other names: c.1244+30926C>T (NM_001406837.1); c.1418+30926C>T (NM_001406836.1); c.974+30926C>T (NM_001406838.1); c.1133+30926C>T (NM_181798.2).
Identifiers: ClinVar variation 2641491 (VCV002641491.24), dbSNP rs2299619, ClinGen allele CA216193934.

ClinVar aggregate classification (germline): Benign (1 of 4 stars; one submission).

Allele frequency attached by ClinVar (database versions not stated): gnomAD 0.00027; TOPMed 0.00031; 1000 Genomes Project 0.00120; 1000 Genomes Project 30x 0.00156.
gnomAD v4.1: 312 of 398,620 alleles (0.078%); highest among the groups gnomAD compares: East Asian, 1.1%; 1 homozygote.

Submission:

CeGaT Center for Human Genetics Tuebingen
Classification: Benign. Last evaluated: 2022-08-01. Review status: criteria provided, single submitter. Criteria: CeGaT Center For Human Genetics Tuebingen Variant Classification Criteria Version 2. Collection method: clinical testing. Allele origin: germline. Affected: yes. Observed: 1 variant allele.
Comment: KCNQ1OT1: BS1, BS2